The following is an entry in ClinVar:

ClinVar aggregate classification (germline): Pathogenic (1 of 4 stars; one submission).

Conditions:
Inborn genetic diseases. Identifiers: MedGen C0950123, MeSH D030342.

Submission:

Ambry Genetics
Classification: Pathogenic for Inborn genetic diseases. Last evaluated: 2024-11-20. Review status: criteria provided, single submitter. Criteria: Ambry Variant Classification Scheme 2023. Collection method: clinical testing. Allele origin: germline.
Comment: The c.1704C>A (p.Y568*) alteration, located in exon 15 (coding exon 14) of the DHX9 gene, consists of a C to A substitution at nucleotide position 1704. This changes the amino acid from a tyrosine (Y) to a stop codon at amino acid position 568. This alteration is expected to result in loss of function by premature protein truncation or nonsense-mediated mRNA decay. This variant was not reported in population-based cohorts in the Genome Aggregation Database (gnomAD). Based on the available evidence, this alteration is classified as pathogenic.

NM_001357.5(DHX9):c.1704C>A (p.Tyr568Ter)

Gene: DHX9 (DExH-box helicase 9; plus strand). Cytogenetic location: 1q25.3.
Variant type: single nucleotide variant.
Coding change: c.1704C>A on transcript NM_001357.5 (MANE Select); coding-DNA position 1704, C replaced by A.
Protein change: p.Tyr568Ter; replaces tyrosine 568 with a stop codon.
Molecular consequence: nonsense. On other transcripts: non-coding transcript variant (1).
Genome position (GRCh38, 1-based): chr1:182,872,483, C>A. VCF-style: chr1-182872483-C-A. GRCh37 (hg19) VCF-style: chr1-182841618-C-A.
Other names: short protein forms Y568*.
Identifiers: ClinVar variation 3501765 (VCV003501765.1).
Genomic context (GRCh38, chr1:182,872,483, plus strand): 5'-CAGCATGTTTTGTGAATATTTCTTCAATTGCCCCATCATTGAAGTTTATGGGAGGACTTA[C>A]CCAGTTCAAGGTAATATTGTGGGGGTGGTATAGGAACATCTTTTGTGCAATAGGGTTTGT-3'